The following is an entry in ClinVar:

NM_001928.4(CFD):c.440T>C (p.Leu147Pro)

Gene: CFD (complement factor D; plus strand). Cytogenetic location: 19p13.3.
Variant type: single nucleotide variant.
Coding change: c.440T>C on transcript NM_001928.4 (MANE Select); coding-DNA position 440, T replaced by C.
Protein change: p.Leu147Pro; replaces leucine 147 with proline.
Molecular consequence: missense variant.
Genome position (GRCh38, 1-based): chr19:861,781, T>C. VCF-style: chr19-861781-T-C. GRCh37 (hg19) VCF-style: chr19-861781-T-C.
Other names: c.461T>C, p.Leu154Pro (NM_001317335.2); c.440T>C (NM_001928.2); short protein forms L147P, L154P.
Identifiers: ClinVar variation 1492877 (VCV001492877.9), dbSNP rs2035798446, ClinGen allele CA402922620.
Genomic context (GRCh38, chr19:861,781, plus strand): 5'-GCCCTGCTGTGCGCCCCCTGCCCTGGCAGCGCGTGGACCGCGACGTGGCACCGGGAACTC[T>C]CTGCGACGTGGCCGGCTGGGGCATAGTCAACCACGCGGGCCGCCGCCCGGACAGCCTGCA-3'
Protein context (NP_001919.2, residues 137-157): RVDRDVAPGT[Leu147Pro]CDVAGWGIVN

ClinVar aggregate classification (germline): Uncertain significance. Review status: criteria provided, multiple submitters, no conflicts (2 of 4 stars). 2 submissions from 2 submitters: Uncertain significance (2). Last evaluated 2022-03-16.

Allele frequency attached by ClinVar (database versions not stated): gnomAD exomes below 0.00001; TOPMed below 0.00001.
gnomAD v4.1: 2 of 1,605,628 alleles (0.00012%); highest among the groups gnomAD compares: East Asian, 0.0022%; no homozygotes.

Submissions (2):

Ambry Genetics
Classification: Uncertain significance. Last evaluated: 2022-03-16. Review status: criteria provided, single submitter. Criteria: Ambry Variant Classification Scheme 2023. Collection method: clinical testing. Allele origin: germline.

Labcorp Genetics (formerly Invitae), Labcorp
Classification: Uncertain significance. Last evaluated: 2021-05-25. Review status: criteria provided, single submitter. Criteria: Invitae Variant Classification Sherloc (09022015). Collection method: clinical testing. Allele origin: germline.
Comment: This variant is not present in population databases (ExAC no frequency). In summary, the available evidence is currently insufficient to determine the role of this variant in disease. Therefore, it has been classified as a Variant of Uncertain Significance. Algorithms developed to predict the effect of missense changes on protein structure and function are either unavailable or do not agree on the potential impact of this missense change (SIFT: "Not Available"; PolyPhen-2: "Probably Damaging"; Align-GVGD: "Not Available"). This variant has not been reported in the literature in individuals with CFD-related conditions. This sequence change replaces leucine with proline at codon 147 of the CFD protein (p.Leu147Pro). The leucine residue is moderately conserved and there is a moderate physicochemical difference between leucine and proline.